The following is an entry in ClinVar:

ClinVar aggregate classification (germline): Uncertain significance (1 of 4 stars; one submission).

Submission:

Mayo Clinic Laboratories, Mayo Clinic
Classification: Uncertain significance. Last evaluated: 2023-09-26. Review status: criteria provided, single submitter. Criteria: ACMG Guidelines, 2015. Collection method: clinical testing. Allele origin: germline. Observed: 1 variant allele.
Comment: BP4_strong, PM2

NM_001710.6(CFB):c.1118C>G (p.Pro373Arg)

Gene: CFB (complement factor B; plus strand). Cytogenetic location: 6p21.33.
Variant type: single nucleotide variant.
Coding change: c.1118C>G on transcript NM_001710.6 (MANE Select); coding-DNA position 1118, C replaced by G.
Protein change: p.Pro373Arg; replaces proline 373 with arginine.
Molecular consequence: missense variant.
Genome position (GRCh38, 1-based): chr6:31,948,911, C>G. VCF-style: chr6-31948911-C-G. GRCh37 (hg19) VCF-style: chr6-31916688-C-G.
Other names: p.Pro373Arg; short protein forms P373R.
Identifiers: ClinVar variation 3379649 (VCV003379649.1).
Genomic context (GRCh38, chr6:31,948,911, plus strand): 5'-CTAACACCAAGAAGGCCCTCCAGGCAGTGTACAGCATGATGAGCTGGCCAGATGACGTCC[C>G]TCCTGAAGGCTGGAACCGCACCCGCCATGTCATCATCCTCATGACTGATGGTCAGAAGGG-3'
Protein context (NP_001701.2, residues 363-383): YSMMSWPDDV[Pro373Arg]PEGWNRTRHV